The following is an entry in ClinVar:

NM_007373.4(SHOC2):c.1162-240C>T

Gene: SHOC2 (SHOC2 leucine rich repeat scaffold protein; plus strand). Cytogenetic location: 10q25.2.
Variant type: single nucleotide variant.
Coding change: c.1162-240C>T on transcript NM_007373.4 (MANE Select); 240 bases into the intron before coding-DNA position 1162, C replaced by T.
Molecular consequence: intron variant.
Genome position (GRCh38, 1-based): chr10:111,007,291, C>T. VCF-style: chr10-111007291-C-T. GRCh37 (hg19) VCF-style: chr10-112767049-C-T.
Other names: c.1162-240C>T (NM_001324336.2, NM_001324337.2); c.1024-240C>T (NM_001269039.3).
Identifiers: ClinVar variation 561608 (VCV000561608.1), dbSNP rs11816033, ClinGen allele CA213914466.

ClinVar aggregate classification (germline): Benign (1 of 4 stars; one submission).

Allele frequency attached by ClinVar (database versions not stated): 1000 Genomes Project 0.04393; 1000 Genomes Project 30x 0.04419; TOPMed 0.05824; gnomAD 0.05853 and 0.06121.
gnomAD v4.1: 8,838 of 151,982 alleles (5.8%); highest among the groups gnomAD compares: African/African-American, 11%; 333 homozygotes.

Submission:

GeneDx
Classification: Benign. Last evaluated: 2018-06-14. Review status: criteria provided, single submitter. Criteria: GeneDx Variant Classification (06012015). Collection method: clinical testing. Allele origin: germline. Affected: yes.
Comment: This variant is considered likely benign or benign based on one or more of the following criteria: it is a conservative change, it occurs at a poorly conserved position in the protein, it is predicted to be benign by multiple in silico algorithms, and/or has population frequency not consistent with disease.